The following is an entry in ClinVar:

ClinVar aggregate classification (germline): Uncertain significance (1 of 4 stars; one submission).

Conditions:
Developmental and epileptic encephalopathy, 23 (DEE23). Also called: Epileptic encephalopathy, early infantile, 23. Identifiers: Orphanet 411986, MedGen C4014492, MONDO:0014371, OMIM 615859.

Allele frequency attached by ClinVar (database versions not stated): gnomAD exomes below 0.00001.
gnomAD v4.1: 2 of 1,614,016 alleles (0.00012%); highest among the groups gnomAD compares: South Asian, 0.0011%; no homozygotes.

Submission:

Labcorp Genetics (formerly Invitae), Labcorp
Classification: Uncertain significance for Developmental and epileptic encephalopathy, 23. Last evaluated: 2022-08-21. Review status: criteria provided, single submitter. Criteria: Invitae Variant Classification Sherloc (09022015). Collection method: clinical testing. Allele origin: germline.
Comment: In summary, the available evidence is currently insufficient to determine the role of this variant in disease. Therefore, it has been classified as a Variant of Uncertain Significance. Algorithms developed to predict the effect of missense changes on protein structure and function (SIFT, PolyPhen-2, Align-GVGD) all suggest that this variant is likely to be disruptive. This variant has not been reported in the literature in individuals affected with DOCK7-related conditions. This variant is present in population databases (no rsID available, gnomAD 0.003%). This sequence change replaces arginine, which is basic and polar, with cysteine, which is neutral and slightly polar, at codon 1941 of the DOCK7 protein (p.Arg1941Cys).

NM_001367561.1(DOCK7):c.5854C>T (p.Arg1952Cys)

Gene: DOCK7 (dedicator of cytokinesis 7; minus strand). Cytogenetic location: 1p31.3.
Variant type: single nucleotide variant.
Coding change: c.5854C>T on transcript NM_001367561.1 (MANE Select); coding-DNA position 5854, C replaced by T.
Protein change: p.Arg1952Cys; replaces arginine 1952 with cysteine.
Molecular consequence: missense variant.
Genome position (GRCh38, 1-based): chr1:62,475,814, G>A on the plus strand (C>T on the coding strand, the complement: DOCK7 is on the minus strand). VCF-style: chr1-62475814-G-A. GRCh37 (hg19) VCF-style: chr1-62941485-G-A.
Other names: c.5821C>T, p.Arg1941Cys (NM_001271999.2); c.5734C>T, p.Arg1912Cys (NM_001272000.2); c.5728C>T, p.Arg1910Cys (NM_001272001.2); c.5827C>T, p.Arg1943Cys (NM_001330614.2); c.5761C>T, p.Arg1921Cys (NM_033407.4); short protein forms R1910C, R1912C, R1921C, R1941C, R1943C, R1952C.
Identifiers: ClinVar variation 1717465 (VCV001717465.6), dbSNP rs1210870491, ClinGen allele CA340603240.